The following is an entry in ClinVar:

NM_001130438.3(SPTAN1):c.2938_2940del (p.Glu980del)

Gene: SPTAN1 (spectrin alpha, non-erythrocytic 1; plus strand). Cytogenetic location: 9q34.11.
Variant type: Deletion.
Coding change: c.2938_2940del on transcript NM_001130438.3 (MANE Select); coding-DNA positions 2938 to 2940, 3 bases deleted (GAG; older notation c.2938_2940delGAG).
Protein change: p.Glu980del; deletes glutamic acid 980.
Molecular consequence: inframe deletion.
Genome position (GRCh38, 1-based): chr9:128,588,875-128,588,877, GAG deleted; deleting any 3 consecutive bases within chr9:128,588,873-128,588,877 gives the same sequence; the c. name uses the placement nearest the transcript's 3' end. VCF-style (leftmost placement, unchanged base first): chr9-128588872-CAGG-C. GRCh37 (hg19) VCF-style: chr9-131351151-CAGG-C.
Other names: c.2938_2940del, p.Glu980del (NM_001195532.2, NM_001363759.2, NM_001363765.2 and 10 more transcripts); c.2974_2976del, p.Glu992del (NM_001375312.2, NM_001375318.1, NM_001438440.1); short protein forms E980del, E992del.
Identifiers: ClinVar variation 4721789 (VCV004721789.1).

ClinVar aggregate classification (germline): Uncertain significance (1 of 4 stars; one submission).

Conditions:
Early-infantile DEE. Also called: Early infantile epileptic encephalopathy with suppression bursts; Early infantile epileptic encephalopathy; Ohtahara syndrome. Identifiers: Orphanet 1934, MedGen C0393706, MONDO:0800491.

Submission:

Labcorp Genetics (formerly Invitae), Labcorp
Classification: Uncertain significance for Early-infantile DEE. Last evaluated: 2025-08-05. Review status: criteria provided, single submitter. Criteria: Invitae Variant Classification Sherloc (09022015). Collection method: clinical testing. Allele origin: germline.
Comment: This variant, c.2938_2940del, results in the deletion of 1 amino acid(s) of the SPTAN1 protein (p.Glu980del), but otherwise preserves the integrity of the reading frame. This variant is not present in population databases (gnomAD no frequency). This variant has not been reported in the literature in individuals affected with SPTAN1-related conditions. Experimental studies and prediction algorithms are not available or were not evaluated, and the functional significance of this variant is currently unknown. In summary, the available evidence is currently insufficient to determine the role of this variant in disease. Therefore, it has been classified as a Variant of Uncertain Significance.